The following is an entry in ClinVar:

ClinVar aggregate classification (germline): Uncertain significance (1 of 4 stars; one submission).

gnomAD v4.1: 2 of 1,613,228 alleles (0.00012%); highest among the groups gnomAD compares: African/African-American, 0.0013%; no homozygotes.

Submission:

Labcorp Genetics (formerly Invitae), Labcorp
Classification: Uncertain significance. Last evaluated: 2024-05-01. Review status: criteria provided, single submitter. Criteria: Invitae Variant Classification Sherloc (09022015). Collection method: clinical testing. Allele origin: germline.
Comment: This sequence change replaces glycine, which is neutral and non-polar, with alanine, which is neutral and non-polar, at codon 322 of the SLC12A6 protein (p.Gly322Ala). This variant is not present in population databases (gnomAD no frequency). This variant has not been reported in the literature in individuals affected with SLC12A6-related conditions. Advanced modeling of protein sequence and biophysical properties (such as structural, functional, and spatial information, amino acid conservation, physicochemical variation, residue mobility, and thermodynamic stability) has been performed at Invitae for this missense variant, however the output from this modeling did not meet the statistical confidence thresholds required to predict the impact of this variant on SLC12A6 protein function. In summary, the available evidence is currently insufficient to determine the role of this variant in disease. Therefore, it has been classified as a Variant of Uncertain Significance.

NM_001365088.1(SLC12A6):c.965G>C (p.Gly322Ala)

Gene: SLC12A6 (solute carrier family 12 member 6; minus strand). Cytogenetic location: 15q14.
Variant type: single nucleotide variant.
Coding change: c.965G>C on transcript NM_001365088.1 (MANE Select); coding-DNA position 965, G replaced by C.
Protein change: p.Gly322Ala; replaces glycine 322 with alanine.
Molecular consequence: missense variant.
Genome position (GRCh38, 1-based): chr15:34,254,501, C>G on the plus strand (G>C on the coding strand, the complement: SLC12A6 is on the minus strand). VCF-style: chr15-34254501-C-G. GRCh37 (hg19) VCF-style: chr15-34546702-C-G.
Other names: c.788G>C, p.Gly263Ala (NM_001042494.2, NM_001042495.2); c.938G>C, p.Gly313Ala (NM_001042496.2); c.920G>C, p.Gly307Ala (NM_001042497.2); c.812G>C, p.Gly271Ala (NM_005135.2); c.965G>C, p.Gly322Ala (NM_133647.2); short protein forms G307A, G322A, G271A, G313A, G263A.
Identifiers: ClinVar variation 3709669 (VCV003709669.2).